The following is an entry in ClinVar:

ClinVar aggregate classification (germline): Likely benign. Review status: criteria provided, multiple submitters, no conflicts (2 of 4 stars). 2 submissions from 2 submitters: Likely benign (2). Last evaluated 2026-01-26.

Conditions:
Autoimmune enteropathy and endocrinopathy - susceptibility to chronic infections syndrome. Also called: Immunodeficiency 31C; Immunodeficiency 31C, autosomal dominant. Identifiers: Orphanet 391487, MedGen C3279990, MONDO:0013599, OMIM 614162.
Mendelian susceptibility to mycobacterial diseases due to partial STAT1 deficiency. Also called: IMMUNODEFICIENCY 31A, MYCOBACTERIOSIS, AUTOSOMAL DOMINANT; STAT1 DEFICIENCY, AUTOSOMAL DOMINANT; Immunodeficiency 31a. Identifiers: Orphanet 319595, MedGen C4013950, MONDO:0013956, OMIM 614892.
Immunodeficiency 31B. Also called: IMMUNODEFICIENCY 31B, MYCOBACTERIAL AND VIRAL INFECTIONS, AUTOSOMAL RECESSIVE; STAT1 DEFICIENCY, AUTOSOMAL RECESSIVE. Identifiers: Orphanet 391311, MedGen C3151088, MONDO:0013427, OMIM 613796.

Allele frequency attached by ClinVar (database versions not stated): gnomAD 0.00007; TOPMed 0.00007; ExAC 0.00008; ESP Exome Variant Server 0.00008; gnomAD exomes 0.00012; 1000 Genomes Project 30x 0.00016; 1000 Genomes Project 0.00020.
gnomAD v4.1: 144 of 1,614,050 alleles (0.0089%); highest among the groups gnomAD compares: Admixed American, 0.042%; no homozygotes.

Submissions (2):

Labcorp Genetics (formerly Invitae), Labcorp
Classification: Likely benign for Mendelian susceptibility to mycobacterial diseases due to partial STAT1 deficiency; Immunodeficiency 31B; Autoimmune enteropathy and endocrinopathy - susceptibility to chronic infections syndrome. Last evaluated: 2026-01-26. Review status: criteria provided, single submitter. Criteria: Invitae Variant Classification Sherloc (09022015). Collection method: clinical testing. Allele origin: germline.

Illumina Laboratory Services, Illumina
Classification: Likely benign for Mendelian susceptibility to mycobacterial diseases due to partial STAT1 deficiency. Last evaluated: 2017-04-27. Review status: criteria provided, single submitter. Criteria: ICSL Variant Classification Criteria 13 December 2019. Collection method: clinical testing. Allele origin: germline.
Comment: This variant was observed as part of a predisposition screen in an ostensibly healthy population. A literature search was performed for the gene, cDNA change, and amino acid change (where applicable). Publications were found based on this search. The evidence from the literature, in combination with allele frequency data from public databases where available, was sufficient to determine this variant is unlikely to cause disease. Therefore, this variant is classified as likely benign.

Literature cited by the submitters: PubMed 22208278 (cited by Illumina Laboratory Services, Illumina).

NM_007315.4(STAT1):c.1866C>T (p.Asn622=)

Gene: STAT1 (signal transducer and activator of transcription 1; minus strand). Cytogenetic location: 2q32.2.
Variant type: single nucleotide variant.
Coding change: c.1866C>T on transcript NM_007315.4 (MANE Select); coding-DNA position 1866, C replaced by T.
Protein change: p.Asn622=; no amino-acid change (asparagine 622 retained).
Molecular consequence: synonymous variant.
Genome position (GRCh38, 1-based): chr2:190,978,863, G>A on the plus strand (C>T on the coding strand, the complement: STAT1 is on the minus strand). VCF-style: chr2-190978863-G-A. GRCh37 (hg19) VCF-style: chr2-191843589-G-A.
Other names: c.1806C>T, p.Asn602= (NM_001384880.1); c.1872C>T, p.Asn624= (NM_001384881.1, NM_001384884.1); c.1860C>T, p.Asn620= (NM_001384882.1); c.1767C>T, p.Asn589= (NM_001384883.1); c.1707C>T, p.Asn569= (NM_001384885.1); c.1866C>T, p.Asn622= (NM_001384886.1, NM_001384889.1, NM_139266.3); c.1773C>T, p.Asn591= (NM_001384887.1); c.1836C>T, p.Asn612= (NM_001384888.1); and 2 more.
Identifiers: ClinVar variation 333266 (VCV000333266.15), dbSNP rs112108750, ClinGen allele CA2029803.